The following is an entry in ClinVar:

NM_000088.4(COL1A1):c.1465G>T (p.Gly489Ter)

Gene: COL1A1 (collagen type I alpha 1 chain; minus strand). Cytogenetic location: 17q21.33.
Variant type: single nucleotide variant.
Coding change: c.1465G>T on transcript NM_000088.4 (MANE Select); coding-DNA position 1465, G replaced by T.
Protein change: p.Gly489Ter; replaces glycine 489 with a stop codon.
Molecular consequence: nonsense.
Genome position (GRCh38, 1-based): chr17:50,194,623, C>A on the plus strand (G>T on the coding strand, the complement: COL1A1 is on the minus strand). VCF-style: chr17-50194623-C-A. GRCh37 (hg19) VCF-style: chr17-48271984-C-A.
Other names: short protein forms G489*.
Identifiers: ClinVar variation 523885 (VCV000523885.5), dbSNP rs138570309, ClinGen allele CA400217522.

ClinVar aggregate classification (germline): Pathogenic. Review status: criteria provided, multiple submitters, no conflicts (2 of 4 stars). 2 submissions from 2 submitters: Pathogenic (2). Last evaluated 2023-10-05.

Conditions:
Osteogenesis imperfecta type I (OI1). Also called: OI, TYPE I; OSTEOGENESIS IMPERFECTA TARDA; OSTEOGENESIS IMPERFECTA WITH BLUE SCLERAE; Osteogenesis imperfecta type 1; Classic Non-deforming Osteogenesis Imperfecta with Blue Sclerae; Lobstein's Disease. Identifiers: Orphanet 216796, Orphanet 666, MedGen C0023931, MONDO:0008146, OMIM 166200. Disease mechanism: loss of function.

Submissions (2):

Labcorp Genetics (formerly Invitae), Labcorp
Classification: Pathogenic for Osteogenesis imperfecta type I. Last evaluated: 2023-10-05. Review status: criteria provided, single submitter. Criteria: Invitae Variant Classification Sherloc (09022015). Collection method: clinical testing. Allele origin: germline.
Comment: This sequence change creates a premature translational stop signal (p.Gly489*) in the COL1A1 gene. It is expected to result in an absent or disrupted protein product. Loss-of-function variants in COL1A1 are known to be pathogenic (PMID: 7942841, 9295084, 9443882). This variant is not present in population databases (gnomAD no frequency). This variant has not been reported in the literature in individuals affected with COL1A1-related conditions. ClinVar contains an entry for this variant (Variation ID: 523885). For these reasons, this variant has been classified as Pathogenic.

GeneDx
Classification: Pathogenic. Last evaluated: 2018-04-27. Review status: criteria provided, single submitter. Criteria: GeneDx Variant Classification (06012015). Collection method: clinical testing. Allele origin: germline. Affected: yes.
Comment: The G489X nonsense variant in the COL1A1 gene is predicted to cause loss of normal protein function either through protein truncation or nonsense-mediated mRNA decay. The G489X variant is not observed in large population cohorts (Lek et al., 2016). Although this pathogenic variant has not been reported previously to our knowledge, its presence is consistent with the diagnosis of osteogenesis imperfecta

Literature cited by the submitters: PubMed 7942841 (cited by Labcorp Genetics (formerly Invitae), Labcorp); PubMed 9295084 (cited by Labcorp Genetics (formerly Invitae), Labcorp); PubMed 9443882 (cited by Labcorp Genetics (formerly Invitae), Labcorp).